The following is an entry in ClinVar:

NM_000535.7(PMS2):c.1145-20C>T

Gene: PMS2 (PMS1 homolog 2, mismatch repair system component; minus strand). Cytogenetic location: 7p22.1.
Variant type: single nucleotide variant.
Coding change: c.1145-20C>T on transcript NM_000535.7 (MANE Select); 20 bases into the intron before coding-DNA position 1145, C replaced by T.
Molecular consequence: intron variant.
Genome position (GRCh38, 1-based): chr7:5,987,640, G>A on the plus strand (C>T on the coding strand, the complement: PMS2 is on the minus strand). VCF-style: chr7-5987640-G-A. GRCh37 (hg19) VCF-style: chr7-6027271-G-A.
Other names: c.827-20C>T (NM_001322008.2, NM_001322007.2); c.584-20C>T (NM_001322010.2); c.740-20C>T (NM_001322004.2, NM_001322003.2, NM_001322009.2 and 1 more transcripts); c.572-20C>T (NM_001322013.2); c.212-20C>T (NM_001322012.2, NM_001322011.2); c.836-20C>T (NM_001322015.2); c.989-20C>T (NM_001322006.2); c.1145-20C>T (NM_001322014.2).
Identifiers: ClinVar variation 391474 (VCV000391474.1), dbSNP rs1057524098, ClinGen allele CA16605119.

ClinVar aggregate classification (germline): Likely benign (1 of 4 stars; one submission).

Submission:

GeneDx
Classification: Likely benign. Last evaluated: 2016-12-05. Review status: criteria provided, single submitter. Criteria: GeneDx Variant Classification (06012015). Collection method: clinical testing. Allele origin: germline. Affected: yes.
Comment: This variant is considered likely benign or benign based on one or more of the following criteria: it is a conservative change, it occurs at a poorly conserved position in the protein, it is predicted to be benign by multiple in silico algorithms, and/or has population frequency not consistent with disease.